The following is an entry in ClinVar:

ClinVar aggregate classification (germline): Uncertain significance. Review status: criteria provided, multiple submitters, no conflicts (2 of 4 stars). 3 submissions from 3 submitters: Uncertain significance (3). Last evaluated 2026-02-03.

Conditions:
Classic or attenuated familial adenomatous polyposis. Identifiers: MedGen CN372698, MONDO:0021057.
Hereditary cancer-predisposing syndrome. Also called: Hereditary Cancer Syndrome; Neoplastic Syndromes, Hereditary; Tumor predisposition; Hereditary neoplastic syndrome. Identifiers: Orphanet 140162, MedGen C0027672, MeSH D009386, MONDO:0015356.
Familial adenomatous polyposis 1 (FAP1). Also called: FAMILIAL ADENOMATOUS POLYPOSIS 1, ATTENUATED; POLYPOSIS, ADENOMATOUS INTESTINAL. Identifiers: MedGen C2713442, MONDO:0021056, OMIM 175100. Disease mechanism: loss of function.

Submissions (3):

Labcorp Genetics (formerly Invitae), Labcorp
Classification: Uncertain significance for Familial adenomatous polyposis 1. Last evaluated: 2026-02-03. Review status: criteria provided, single submitter. Criteria: Invitae Variant Classification Sherloc (09022015). Collection method: clinical testing. Allele origin: germline.
Comment: This sequence change replaces leucine, which is neutral and non-polar, with serine, which is neutral and polar, at codon 1765 of the APC protein (p.Leu1765Ser). This variant is not present in population databases (gnomAD no frequency). This variant has not been reported in the literature in individuals affected with APC-related conditions. ClinVar contains an entry for this variant (Variation ID: 1746651). Invitae Evidence Modeling of protein sequence and biophysical properties (such as structural, functional, and spatial information, amino acid conservation, physicochemical variation, residue mobility, and thermodynamic stability) indicates that this missense variant is not expected to disrupt APC protein function with a negative predictive value of 95%. In summary, the available evidence is currently insufficient to determine the role of this variant in disease. Therefore, it has been classified as a Variant of Uncertain Significance.

All of Us Research Program, National Institutes of Health
Classification: Uncertain significance for Classic or attenuated familial adenomatous polyposis. Last evaluated: 2024-05-14. Review status: criteria provided, single submitter. Criteria: ACMG Guidelines, 2015. Collection method: clinical testing. Allele origin: germline. Inheritance: Autosomal dominant inheritance. Observed: 1 variant allele, 1 heterozygote.
Comment: This missense variant replaces leucine with serine at codon 1765 of the APC protein. Computational prediction suggests that this variant may not impact protein structure and function (internally defined REVEL score threshold <= 0.5, PMID: 27666373). To our knowledge, functional studies have not been reported for this variant. This variant has not been reported in individuals affected with APC-related disorders in the literature. This variant has not been identified in the general population by the Genome Aggregation Database (gnomAD). The available evidence is insufficient to determine the role of this variant in disease conclusively. Therefore, this variant is classified as a Variant of Uncertain Significance.

This study involves interpretation of variants in research participants for the purpose of population health screening. Participant phenotype was not available at the time of variant classification. Additional details can be found in publication PMID: 35346344, PMCID: PMC8962531

Ambry Genetics
Classification: Uncertain significance for Hereditary cancer-predisposing syndrome. Last evaluated: 2022-11-30. Review status: criteria provided, single submitter. Criteria: Ambry Variant Classification Scheme 2023. Collection method: clinical testing. Allele origin: germline.
Comment: The p.L1765S variant (also known as c.5294T>C), located in coding exon 15 of the APC gene, results from a T to C substitution at nucleotide position 5294. The leucine at codon 1765 is replaced by serine, an amino acid with dissimilar properties. This amino acid position is not well conserved in available vertebrate species. In addition, in silico predictors for this gene do not accurately predict pathogenicity. Since supporting evidence is limited at this time, the clinical significance of this alteration remains unclear.

NM_000038.6(APC):c.5294T>C (p.Leu1765Ser)

Gene: APC (APC regulator of Wnt signaling pathway; plus strand). Cytogenetic location: 5q22.2.
Variant type: single nucleotide variant.
Coding change: c.5294T>C on transcript NM_000038.6 (MANE Select); coding-DNA position 5294, T replaced by C.
Protein change: p.Leu1765Ser; replaces leucine 1765 with serine.
Molecular consequence: missense variant.
Genome position (GRCh38, 1-based): chr5:112,840,888, T>C. VCF-style: chr5-112840888-T-C. GRCh37 (hg19) VCF-style: chr5-112176585-T-C.
Other names: c.5171T>C, p.Leu1724Ser (NM_001354900.2); c.5117T>C, p.Leu1706Ser (NM_001354901.2, NM_001407453.1); c.5021T>C, p.Leu1674Ser (NM_001354902.2); c.4991T>C, p.Leu1664Ser (NM_001354903.2, NM_001407458.1, NM_001407459.1 and 1 more transcripts); c.4916T>C, p.Leu1639Ser (NM_001354904.2); c.4814T>C, p.Leu1605Ser (NM_001354905.2); c.4445T>C, p.Leu1482Ser (NM_001354906.2, NM_001407470.1); c.5378T>C, p.Leu1793Ser (NM_001407446.1); and 11 more; short protein forms L1381S, L1737S, L1482S, L1674S, L1706S, L1747S, L1765S, L1605S.
Identifiers: ClinVar variation 1746651 (VCV001746651.7), dbSNP rs1765915024, ClinGen allele CA16032903.